The following is an entry in ClinVar:

NM_001267550.2(TTN):c.51437-9G>A

Genes: TTN (titin; minus strand), TTN-AS1 (TTN antisense RNA 1; plus strand). Cytogenetic location: 2q31.2.
Variant type: single nucleotide variant.
Coding change: c.51437-9G>A on transcript NM_001267550.2 (MANE Select); 9 bases into the intron before coding-DNA position 51437, G replaced by A.
Molecular consequence: intron variant.
Genome position (GRCh38, 1-based): chr2:178,609,995, C>T on the plus strand (G>A on the coding strand, the complement: TTN is on the minus strand). VCF-style: chr2-178609995-C-T. GRCh37 (hg19) VCF-style: chr2-179474722-C-T.
Other names: c.24242-9G>A (NM_003319.4); c.24818-9G>A (NM_133437.4); c.24617-9G>A (NM_133432.3); c.43733-9G>A (NM_133378.4); c.46514-9G>A (NM_001256850.1).
Identifiers: ClinVar variation 504748 (VCV000504748.19), dbSNP rs183060991, ClinGen allele CA1994188.
Genomic context (GRCh38, chr2:178,609,995, plus strand): 5'-GCCTCCGCTGTAGGATTATGAACCTCTACATCTACAGGTGGATCAGGGGGTTCTGAAGAA[C>T]AAGAAAAAAATGTTAGTATCAGGAAAACCACCTTCTTAAAACAAAACTATGGTTTATTAG-3'

ClinVar aggregate classification (germline): Conflicting classifications of pathogenicity. Review status: criteria provided, conflicting classifications (1 of 4 stars). 5 submissions from 5 submitters: Uncertain significance (1); Likely benign (4). Last evaluated 2026-06-26.

Conditions:
Autosomal recessive limb-girdle muscular dystrophy type 2J (LGMDR10). Also called: Limb-girdle muscular dystrophy, type 2J; MUSCULAR DYSTROPHY, LIMB-GIRDLE, AUTOSOMAL RECESSIVE 10. Identifiers: Orphanet 140922, MedGen C1837342, MONDO:0012127, OMIM 608807.
Dilated cardiomyopathy 1G (CMD1G). Identifiers: Orphanet 154, MedGen C1858763, MONDO:0011400, OMIM 604145.
TTN-related disorder. Also called: TTN-related condition; TTN-related disease; TTN-related disorders.

Allele frequency attached by ClinVar (database versions not stated): gnomAD exomes 0.00002; ExAC 0.00003; TOPMed 0.00009; gnomAD 0.00011; 1000 Genomes Project 30x 0.00016; 1000 Genomes Project 0.00020.
gnomAD v4.1: 31 of 1,607,770 alleles (0.0019%); highest among the groups gnomAD compares: African/African-American, 0.039%; no homozygotes.

Submissions (5):

Women's Health and Genetics/Laboratory Corporation of America, LabCorp
Classification: Likely benign. Last evaluated: 2026-06-26. Review status: criteria provided, single submitter. Criteria: LabCorp Variant Classification Summary - May 2015. Collection method: clinical testing. Allele origin: germline.

Labcorp Genetics (formerly Invitae), Labcorp
Classification: Likely benign for Dilated cardiomyopathy 1G; Autosomal recessive limb-girdle muscular dystrophy type 2J. Last evaluated: 2026-01-31. Review status: criteria provided, single submitter. Criteria: Invitae Variant Classification Sherloc (09022015). Collection method: clinical testing. Allele origin: germline.

PreventionGenetics, part of Exact Sciences
Classification: Likely benign for TTN-related condition. Last evaluated: 2025-09-22. Review status: criteria provided, single submitter. Criteria: ACMG Guidelines, 2015. Collection method: clinical testing. Allele origin: germline.
Comment: This variant is classified as likely benign based on ACMG/AMP sequence variant interpretation guidelines (Richards et al. 2015 PMID: 25741868, with internal and published modifications).

GeneDx
Classification: Likely benign. Last evaluated: 2021-02-12. Review status: criteria provided, single submitter. Criteria: GeneDx Variant Classification Process June 2021. Collection method: clinical testing. Allele origin: germline. Affected: yes.

Laboratory for Molecular Medicine, Mass General Brigham Personalized Medicine
Classification: Uncertain significance. Last evaluated: 2017-05-22. Review status: criteria provided, single submitter. Criteria: LMM Criteria. Collection method: clinical testing. Allele origin: germline. Observed: 1 variant allele.
Comment: The c.43733-9G>A variant in TTN has not been previously reported in individuals with cardiomyopathy, but has been identified in 6/23770 African chromosomes by t he genome Aggregation Database (gnomAD; dbSNP rs183060991). This variant is located in the 3' splice region. Computational to ols do not suggest an impact to splicing. However, this information is not predi ctive enough to rule out pathogenicity. In summary, the clinical significance of the c.43733-9G>A variant is uncertain.